The following is an entry in ClinVar:

NM_005732.4(RAD50):c.1196T>A (p.Leu399His)

Gene: RAD50 (RAD50 double strand break repair protein; plus strand). Cytogenetic location: 5q31.1.
Variant type: single nucleotide variant.
Coding change: c.1196T>A on transcript NM_005732.4 (MANE Select); coding-DNA position 1196, T replaced by A.
Protein change: p.Leu399His; replaces leucine 399 with histidine.
Molecular consequence: missense variant.
Genome position (GRCh38, 1-based): chr5:132,588,831, T>A. VCF-style: chr5-132588831-T-A. GRCh37 (hg19) VCF-style: chr5-131924523-T-A.
Other names: short protein forms L399H.
Identifiers: ClinVar variation 2757685 (VCV002757685.4), dbSNP rs2479634862, ClinGen allele CA360942895.

ClinVar aggregate classification (germline): Uncertain significance (1 of 4 stars; one submission).

Conditions:
Hereditary cancer-predisposing syndrome. Also called: Neoplastic Syndromes, Hereditary; Hereditary Cancer Syndrome; Hereditary neoplastic syndrome; Tumor predisposition. Identifiers: Orphanet 140162, MedGen C0027672, MeSH D009386, MONDO:0015356.

Submissions (2):

Labcorp Genetics (formerly Invitae), Labcorp
Classification: Uncertain significance for Hereditary cancer-predisposing syndrome. Last evaluated: 2023-09-04. Review status: criteria provided, single submitter. Criteria: Invitae Variant Classification Sherloc (09022015). Collection method: clinical testing. Allele origin: germline.
Comment: This variant is not present in population databases (gnomAD no frequency). This variant has not been reported in the literature in individuals affected with RAD50-related conditions. Advanced modeling of protein sequence and biophysical properties (such as structural, functional, and spatial information, amino acid conservation, physicochemical variation, residue mobility, and thermodynamic stability) performed at Invitae indicates that this missense variant is not expected to disrupt RAD50 protein function. In summary, the available evidence is currently insufficient to determine the role of this variant in disease. Therefore, it has been classified as a Variant of Uncertain Significance. This sequence change replaces leucine, which is neutral and non-polar, with histidine, which is basic and polar, at codon 399 of the RAD50 protein (p.Leu399His).

Dr. Peter K. Rogan Lab, Western University
No classification provided (evidence only). Condition: Ovarian serous cystadenocarcinoma. Review status: no classification provided. Collection method: in vitro. Allele origin: not applicable. Functional consequence: retained intron. Not counted in ClinVar's aggregate classification.